The following is an entry in ClinVar:

NM_014254.3(RXYLT1):c.539G>T (p.Trp180Leu)

Gene: RXYLT1 (ribitol xylosyltransferase 1; plus strand). Cytogenetic location: 12q14.2.
Variant type: single nucleotide variant.
Coding change: c.539G>T on transcript NM_014254.3 (MANE Select); coding-DNA position 539, G replaced by T.
Protein change: p.Trp180Leu; replaces tryptophan 180 with leucine.
Molecular consequence: missense variant. On other transcripts: 5 prime UTR variant (1).
Genome position (GRCh38, 1-based): chr12:63,802,201, G>T. VCF-style: chr12-63802201-G-T. GRCh37 (hg19) VCF-style: chr12-64195981-G-T.
Other names: c.-242G>T (NM_001278237.2); short protein forms W180L.
Identifiers: ClinVar variation 1805579 (VCV001805579.1), dbSNP rs2500519629, ClinGen allele CA385657713.

ClinVar aggregate classification (germline): Uncertain significance (1 of 4 stars; one submission).

Conditions:
Muscular dystrophy-dystroglycanopathy (congenital with brain and eye anomalies), type a, 10 (MDDGA10). Also called: WALKER-WARBURG SYNDROME OR MUSCLE-EYE-BRAIN DISEASE, TMEM5-RELATED. Identifiers: Orphanet 899, MedGen C3554381, MONDO:0014022, OMIM 615041.

gnomAD v4.1: 2 of 1,614,026 alleles (0.00012%); highest among the groups gnomAD compares: South Asian, 0.0022%; no homozygotes.

Submission:

Victorian Clinical Genetics Services, Murdoch Childrens Research Institute
Classification: Uncertain significance for Muscular dystrophy-dystroglycanopathy (congenital with brain and eye anomalies), type a, 10. Last evaluated: 2020-05-21. Review status: criteria provided, single submitter. Criteria: ACMG Guidelines, 2015. Collection method: clinical testing. Allele origin: germline. Inheritance: Autosomal recessive inheritance. Affected: yes.
Comment: A heterozygous missense variant was identified, NM_014254.2(RXYLT1):c.539G>T in exon 4 of 6 of the RXYLT1 gene (NB: this variant is non-coding in alternative transcripts). This substitution is predicted to create a minor amino acid change from a tryptophan to a leucine at position 180 of the protein; NP_055069.1(RXYLT1):p.(Trp180Leu). The tryptophan at this position has very high conservation (100 vertebrates, UCSC), and is not located in a particular domain (NCBI, PDB, UniProt). In silico software predictions of the pathogenicity of this variant are conflicting (PolyPhen2, PROVEAN, MutationAssessor, FATHMM). The variant is not present in the gnomAD population database and has not previously been reported in clinical cases. Based on information available at the time of curation, this variant has been classified as a VUS.